The following is an entry in ClinVar:

ClinVar aggregate classification (germline): Likely pathogenic (1 of 4 stars; one submission).

Submission:

Labcorp Genetics (formerly Invitae), Labcorp
Classification: Likely pathogenic. Last evaluated: 2024-04-03. Review status: criteria provided, single submitter. Criteria: Invitae Variant Classification Sherloc (09022015). Collection method: clinical testing. Allele origin: germline.
Comment: This sequence change replaces glycine, which is neutral and non-polar, with alanine, which is neutral and non-polar, at codon 1063 of the COL4A5 protein (p.Gly1063Ala). This variant is not present in population databases (gnomAD no frequency). This missense change has been observed in individual(s) with clinical features of Alport syndrome (Invitae). Advanced modeling of protein sequence and biophysical properties (such as structural, functional, and spatial information, amino acid conservation, physicochemical variation, residue mobility, and thermodynamic stability) performed at Invitae indicates that this missense variant is expected to disrupt COL4A5 protein function with a positive predictive value of 95%. This variant disrupts the triple helix domain of COL4A5. Glycine residues within the Gly-Xaa-Yaa repeats of the triple helix domain are required for the structure and stability of fibrillar collagens (PMID: 7695699, 8218237, 19344236). In COL4A5, missense variants at these glycine residues are significantly enriched in individuals with disease (PMID: 23720012, 27627812) compared to the general population (ExAC). This variant disrupts the p.Gly1063 amino acid residue in COL4A5. Other variant(s) that disrupt this residue have been observed in individuals with COL4A5-related conditions (PMID: 31144478; Invitae), which suggests that this may be a clinically significant amino acid residue. In summary, the currently available evidence indicates that the variant is pathogenic, but additional data are needed to prove that conclusively. Therefore, this variant has been classified as Likely Pathogenic.

Literature cited by the submitters: PubMed 7695699; PubMed 8218237; PubMed 19344236; PubMed 23720012; PubMed 27627812; PubMed 31144478.

NM_033380.3(COL4A5):c.3188G>C (p.Gly1063Ala)

Gene: COL4A5 (collagen type IV alpha 5 chain; plus strand). Cytogenetic location: Xq22.3.
Variant type: single nucleotide variant.
Coding change: c.3188G>C on transcript NM_033380.3 (MANE Select); coding-DNA position 3188, G replaced by C.
Protein change: p.Gly1063Ala; replaces glycine 1063 with alanine.
Molecular consequence: missense variant.
Genome position (GRCh38, 1-based): chrX:108,626,291, G>C. VCF-style: chrX-108626291-G-C. GRCh37 (hg19) VCF-style: chrX-107869521-G-C.
Other names: c.3188G>C, p.Gly1063Ala (NM_000495.5); short protein forms G1063A.
Identifiers: ClinVar variation 3636328 (VCV003636328.2).